The following is an entry in ClinVar:

ClinVar aggregate classification (germline): Pathogenic (1 of 4 stars; one submission).

Conditions:
Melnick-Needles syndrome (MNS). Also called: MELNICK-NEEDLES OSTEODYSPLASTY; OSTEODYSPLASTY OF MELNICK AND NEEDLES; Melnick-Needles Syndrome (FLNA-MNS). Identifiers: Orphanet 2484, MedGen C0025237, MONDO:0010650, OMIM 309350.
Heterotopia, periventricular, X-linked dominant (PVNH1). Also called: PERIVENTRICULAR NODULAR HETEROTOPIA 1; X-linked periventricular heterotopia; PERIVENTRICULAR NODULAR HETEROTOPIA 4; HETEROTOPIA, PERIVENTRICULAR, 1. Identifiers: Orphanet 2149, Orphanet 82004, MedGen C1848213, MONDO:0010233, OMIM 300049.
Frontometaphyseal dysplasia (FMD1). Identifiers: Orphanet 1826, MedGen C0265293, MONDO:0015942.
Oto-palato-digital syndrome, type II (OPD2). Also called: FACIOPALATOOSSEOUS SYNDROME; OPD II SYNDROME; Otopalatodigital Syndrome, Type II; Otopalatodigital Syndrome Type 2 (FLNA-OPD2). Identifiers: Orphanet 669, Orphanet 90652, MedGen C1844696, MONDO:0010571, OMIM 304120.

Submission:

Labcorp Genetics (formerly Invitae), Labcorp
Classification: Pathogenic for Oto-palato-digital syndrome, type II; Heterotopia, periventricular, X-linked dominant; Frontometaphyseal dysplasia; Melnick-Needles syndrome. Last evaluated: 2022-10-27. Review status: criteria provided, single submitter. Criteria: Invitae Variant Classification Sherloc (09022015). Collection method: clinical testing. Allele origin: unknown.
Comment: For these reasons, this variant has been classified as Pathogenic. This variant disrupts a region of the FLNA protein in which other variant(s) (p.Leu2583del) have been determined to be pathogenic (Invitae). This suggests that this is a clinically significant region of the protein, and that variants that disrupt it are likely to be disease-causing. This variant has not been reported in the literature in individuals affected with FLNA-related conditions. This variant is a gross deletion of the genomic region encompassing exon(s) 30-47 of the FLNA gene, which includes the termination codon. This deletion extends beyond the assayed region for this gene and therefore may encompass additional genes. While this deletion is not anticipated to lead to nonsense mediated decay, it is expected to alter mRNA translation or result in a truncated protein product.

NC_000023.10:g.(?_153577217)_(153583460_?)del

Gene: FLNA (filamin A; minus strand). Cytogenetic location: Xq28.
Variant type: Deletion.
Identifiers: ClinVar variation 3244387 (VCV003244387.1).